The following is an entry in ClinVar:

NM_000038.6(APC):c.7621_7625del (p.Pro2540_Ile2541insTer)

Gene: APC (APC regulator of Wnt signaling pathway; plus strand). Cytogenetic location: 5q22.2.
Variant type: Deletion.
Coding change: c.7621_7625del on transcript NM_000038.6 (MANE Select); coding-DNA positions 7621 to 7625, 5 bases deleted (ATCAA; older notation c.7621_7625delATCAA).
Protein change: p.Pro2540_Ile2541insTer.
Molecular consequence: nonsense.
Genome position (GRCh38, 1-based): chr5:112,843,215-112,843,219, ATCAA deleted; deleting any 5 consecutive bases within chr5:112,843,214-112,843,219 gives the same sequence; the c. name uses the placement nearest the transcript's 3' end. VCF-style (leftmost placement, unchanged base first): chr5-112843213-CAATCA-C. GRCh37 (hg19) VCF-style: chr5-112178910-CAATCA-C.
Other names: c.7621_7625del, p.Pro2540_Ile2541insTer (NM_001127510.3, NM_001354895.2); c.7567_7571del, p.Pro2522_Ile2523insTer (NM_001127511.3); c.7675_7679del, p.Pro2558_Ile2559insTer (NM_001354896.2); c.7651_7655del, p.Pro2550_Ile2551insTer (NM_001354897.2); c.7546_7550del, p.Pro2515_Ile2516insTer (NM_001354898.2); c.7537_7541del, p.Pro2512_Ile2513insTer (NM_001354899.2); c.7498_7502del, p.Pro2499_Ile2500insTer (NM_001354900.2); c.7444_7448del, p.Pro2481_Ile2482insTer (NM_001354901.2); and 5 more.
Identifiers: ClinVar variation 1368326 (VCV001368326.6), dbSNP rs2149990719, ClinGen allele CA2573138676.

ClinVar aggregate classification (germline): Pathogenic (1 of 4 stars; one submission).

Conditions:
Familial adenomatous polyposis 1 (FAP1). Also called: POLYPOSIS, ADENOMATOUS INTESTINAL; FAMILIAL ADENOMATOUS POLYPOSIS 1, ATTENUATED. Identifiers: MedGen C2713442, MONDO:0021056, OMIM 175100. Disease mechanism: loss of function.

Submission:

Labcorp Genetics (formerly Invitae), Labcorp
Classification: Pathogenic for Familial adenomatous polyposis 1. Last evaluated: 2021-07-07. Review status: criteria provided, single submitter. Criteria: Invitae Variant Classification Sherloc (09022015). Collection method: clinical testing. Allele origin: germline.
Comment: A different truncation (p.Tyr2645Lysfs*14) that lies downstream of this variant has been determined to be pathogenic (PMID: 9824584, 1316610, 27081525, 8381579, 22135120, Invitae). This suggests that deletion of this region of the APC protein is causative of disease. For these reasons, this variant has been classified as Pathogenic. This variant is expected to disrupt the EB1 and HDLG binding sites, which mediate interactions with the cytoskeleton (PMID: 15311282, 17293347). While functional studies have not been performed to directly test the effect on APC protein function, this suggests that disruption of the C-terminal portion of the protein is functionally important. This variant has not been reported in the literature in individuals affected with APC-related conditions. This variant is not present in population databases (ExAC no frequency). This sequence change creates a premature translational stop signal (p.Ile2541*) in the APC gene. While this is not anticipated to result in nonsense mediated decay, it is expected to disrupt the last 303 amino acid(s) of the APC protein.

Literature cited by the submitters: PubMed 9824584; PubMed 1316610; PubMed 27081525; PubMed 8381579; PubMed 22135120; PubMed 15311282; PubMed 17293347.